The following is an entry in ClinVar:

ClinVar aggregate classification (germline): Uncertain significance (1 of 4 stars; one submission).

Conditions:
Lethal congenital glycogen storage disease of heart. Also called: PHOSPHORYLASE KINASE DEFICIENCY OF HEART; GLYCOGEN STORAGE DISEASE OF HEART. Identifiers: Orphanet 439854, MedGen C1849813, MONDO:0009867, OMIM 261740.

Submission:

Labcorp Genetics (formerly Invitae), Labcorp
Classification: Uncertain significance for Glycogen storage disease of heart, lethal congenital. Last evaluated: 2018-11-13. Review status: criteria provided, single submitter. Criteria: Invitae Variant Classification Sherloc (09022015). Collection method: clinical testing. Allele origin: germline.
Comment: This variant results in a copy number gain of the genomic region encompassing exon 1 of the PRKAG2 gene. The 5' end of this event is unknown as it extends beyond the assayed region for this gene and therefore may encompass additional genes. The 3' boundary is likely confined to intron 1 of the PRKAG2 gene. As the precise location of this event is unknown, it may be in tandem or it may be located elsewhere in the genome. This variant has not been reported in the literature in individuals with PRKAG2-related disease. Experimental studies and prediction algorithms are not available for this variant, and the functional significance of the affected amino acid(s) is currently unknown. In summary, the available evidence is currently insufficient to determine the role of this variant in disease. Therefore, it has been classified as a Variant of Uncertain Significance.

NC_000007.13:g.(?_151573582)_(151573715_?)dup

Gene: PRKAG2 (protein kinase AMP-activated non-catalytic subunit gamma 2; minus strand). Cytogenetic location: 7q36.1.
Variant type: Duplication.
Identifiers: ClinVar variation 657384 (VCV000657384.1).